The following is an entry in ClinVar:

NM_004183.4(BEST1):c.1396A>G (p.Ser466Gly)

Gene: BEST1 (bestrophin 1; plus strand). Cytogenetic location: 11q12.3.
Variant type: single nucleotide variant.
Coding change: c.1396A>G on transcript NM_004183.4 (MANE Select); coding-DNA position 1396, A replaced by G.
Protein change: p.Ser466Gly; replaces serine 466 with glycine.
Molecular consequence: missense variant. On other transcripts: non-coding transcript variant (1).
Genome position (GRCh38, 1-based): chr11:61,962,550, A>G. VCF-style: chr11-61962550-A-G. GRCh37 (hg19) VCF-style: chr11-61730022-A-G.
Other names: c.1216A>G, p.Ser406Gly (NM_001139443.3, NM_001300787.2); c.1135A>G, p.Ser379Gly (NM_001300786.2); c.1078A>G, p.Ser360Gly (NM_001363591.3); c.*291A>G (NM_001363592.2); c.424A>G, p.Ser142Gly (NM_001363593.3); short protein forms S406G, S466G, S142G, S360G, S379G.
Identifiers: ClinVar variation 1935658 (VCV001935658.5), dbSNP rs925082592, ClinGen allele CA222942020.

ClinVar aggregate classification (germline): Uncertain significance (1 of 4 stars; one submission).

Allele frequency attached by ClinVar (database versions not stated): gnomAD 0.00002; TOPMed 0.00002.

Submission:

Labcorp Genetics (formerly Invitae), Labcorp
Classification: Uncertain significance. Last evaluated: 2022-02-11. Review status: criteria provided, single submitter. Criteria: Invitae Variant Classification Sherloc (09022015). Collection method: clinical testing. Allele origin: germline.
Comment: In summary, the available evidence is currently insufficient to determine the role of this variant in disease. Therefore, it has been classified as a Variant of Uncertain Significance. Advanced modeling of protein sequence and biophysical properties (such as structural, functional, and spatial information, amino acid conservation, physicochemical variation, residue mobility, and thermodynamic stability) performed at Invitae indicates that this missense variant is not expected to disrupt BEST1 protein function. This variant has not been reported in the literature in individuals affected with BEST1-related conditions. This variant is not present in population databases (gnomAD no frequency). This sequence change replaces serine, which is neutral and polar, with glycine, which is neutral and non-polar, at codon 466 of the BEST1 protein (p.Ser466Gly).